The following is an entry in ClinVar:

ClinVar aggregate classification (germline): Likely benign (1 of 4 stars; one submission).

Allele frequency attached by ClinVar (database versions not stated): 1000 Genomes Project 30x 0.00265; 1000 Genomes Project 0.00280; ESP Exome Variant Server 0.00308; gnomAD 0.00328; TOPMed 0.00366.
gnomAD v4.1: 4,177 of 1,612,218 alleles (0.26%); highest among the groups gnomAD compares: Middle Eastern, 3.2%; 54 homozygotes.

Submission:

CeGaT Center for Human Genetics Tuebingen
Classification: Likely benign. Last evaluated: 2024-02-01. Review status: criteria provided, single submitter. Criteria: CeGaT Center For Human Genetics Tuebingen Variant Classification Criteria Version 2. Collection method: clinical testing. Allele origin: germline. Affected: yes. Observed: 2 variant alleles.
Comment: MCHR1: BP4, BS2

NM_005297.4(MCHR1):c.1025C>T (p.Thr342Met)

Gene: MCHR1 (melanin concentrating hormone receptor 1; plus strand). Cytogenetic location: 22q13.2.
Variant type: single nucleotide variant.
Coding change: c.1025C>T on transcript NM_005297.4 (MANE Select); coding-DNA position 1025, C replaced by T.
Protein change: p.Thr342Met; replaces threonine 342 with methionine.
Molecular consequence: missense variant.
Genome position (GRCh38, 1-based): chr22:40,681,891, C>T. VCF-style: chr22-40681891-C-T. GRCh37 (hg19) VCF-style: chr22-41077895-C-T.
Other names: short protein forms T342M.
Identifiers: ClinVar variation 2653192 (VCV002653192.24), dbSNP rs149604804, ClinGen allele CA10250401.
Genomic context (GRCh38, chr22:40,681,891, plus strand): 5'-TGGTCCTGTCGGTGAAGCCTGCAGCCCAGGGGCAGCTTCGCGCTGTCAGCAACGCTCAGA[C>T]GGCTGACGAGGAGAGGACAGAAAGCAAAGGCACCTGATACTTCCCCTGCCACCCTGCACA-3'
Protein context (NP_005288.4, residues 332-352): GQLRAVSNAQ[Thr342Met]ADEERTESKG